The following is an entry in ClinVar:

ClinVar aggregate classification (germline): Uncertain significance. Review status: criteria provided, single submitter (1 of 4 stars). 2 submissions from 2 submitters: Uncertain significance (1). 1 of the submissions does not count toward it. Last evaluated 2022-03-17.

Conditions:
Aicardi-Goutieres syndrome 5. Identifiers: Orphanet 51, MedGen C2749659, MONDO:0013059, OMIM 612952.

Allele frequency attached by ClinVar (database versions not stated): gnomAD exomes below 0.00001.
gnomAD v4.1: 2 of 1,613,886 alleles (0.00012%); highest among the groups gnomAD compares: Non-Finnish European, 0.000085%; no homozygotes.

Submissions (2):

Labcorp Genetics (formerly Invitae), Labcorp
Classification: Uncertain significance for Aicardi-Goutieres syndrome 5. Last evaluated: 2022-03-17. Review status: criteria provided, single submitter. Criteria: Invitae Variant Classification Sherloc (09022015). Collection method: clinical testing. Allele origin: germline.
Comment: This sequence change replaces aspartic acid, which is acidic and polar, with glycine, which is neutral and non-polar, at codon 137 of the SAMHD1 protein (p.Asp137Gly). This variant is present in population databases (no rsID available, gnomAD 0.003%). This missense change has been observed in individual(s) with Aicardi-Goutieres syndrome (PMID: 31130681). It has also been observed to segregate with disease in related individuals. Algorithms developed to predict the effect of missense changes on protein structure and function are either unavailable or do not agree on the potential impact of this missense change (SIFT: "Deleterious"; PolyPhen-2: "Probably Damaging"; Align-GVGD: "Class C0"). In summary, the available evidence is currently insufficient to determine the role of this variant in disease. Therefore, it has been classified as a Variant of Uncertain Significance.

Solve-RD Consortium
Classification: Likely pathogenic for Aicardi-Goutieres syndrome 5. Last evaluated: 2022-06-01. Review status: no assertion criteria provided. Collection method: provider interpretation. Allele origin: inherited. Affected: yes. Not counted in ClinVar's aggregate classification.
Comment: Variant confirmed as disease-causing by referring clinical team

Variant identified during reanalysis of unsolved cases by the Solve-RD project. The Solve-RD project has received funding from the European Union’s Horizon 2020 research and innovation programme under grant agreement No 779257.

Literature cited by the submitters: PubMed 31130681 (cited by Labcorp Genetics (formerly Invitae), Labcorp); PubMed 39825153 (cited by Solve-RD Consortium).

NM_015474.4(SAMHD1):c.410A>G (p.Asp137Gly)

Gene: SAMHD1 (SAM and HD domain containing deoxynucleoside triphosphate triphosphohydrolase 1; minus strand). Cytogenetic location: 20q11.23.
Variant type: single nucleotide variant.
Coding change: c.410A>G on transcript NM_015474.4 (MANE Select); coding-DNA position 410, A replaced by G.
Protein change: p.Asp137Gly; replaces aspartic acid 137 with glycine.
Molecular consequence: missense variant.
Genome position (GRCh38, 1-based): chr20:36,935,128, T>C on the plus strand (A>G on the coding strand, the complement: SAMHD1 is on the minus strand). VCF-style: chr20-36935128-T-C. GRCh37 (hg19) VCF-style: chr20-35563531-T-C.
Other names: c.410A>G, p.Asp137Gly (NM_001363729.2, NM_001363733.2); short protein forms D137G.
Identifiers: ClinVar variation 2419179 (VCV002419179.4), dbSNP rs1446757285, ClinGen allele CA408823202.
Genomic context (GRCh38, chr20:36,935,128, plus strand): 5'-AAAACATAGTAACCACCTCCCAGCTGTTTGATGTATCGAAGACGTTGAAATTGAGGTGTA[T>C]CAATGATTCGGACGAGGAGAGGGTGGAGCTCAATGTGGCCATGGATAGGATCATTAATTA-3'
Protein context (NP_056289.2, residues 127-147): ELHPLLVRII[Asp137Gly]TPQFQRLRYI